The following is an entry in ClinVar:

NM_030662.4(MAP2K2):c.604G>T (p.Val202Leu)

Gene: MAP2K2 (mitogen-activated protein kinase kinase 2; minus strand). Cytogenetic location: 19p13.3.
Variant type: single nucleotide variant.
Coding change: c.604G>T on transcript NM_030662.4 (MANE Select); coding-DNA position 604, G replaced by T.
Protein change: p.Val202Leu; replaces valine 202 with leucine.
Molecular consequence: missense variant.
Genome position (GRCh38, 1-based): chr19:4,101,120, C>A on the plus strand (G>T on the coding strand, the complement: MAP2K2 is on the minus strand). VCF-style: chr19-4101120-C-A. GRCh37 (hg19) VCF-style: chr19-4101118-C-A.
Other names: short protein forms V202L.
Identifiers: ClinVar variation 1034905 (VCV001034905.8), dbSNP rs769471250, ClinGen allele CA403388723.

ClinVar aggregate classification (germline): Uncertain significance (1 of 4 stars; one submission).

Conditions:
RASopathy. Also called: rasopathies; Noonan spectrum disorder. Identifiers: Orphanet 536391, MedGen C5555857, MONDO:0021060.

gnomAD v4.1: 3 of 1,605,710 alleles (0.00019%); highest among the groups gnomAD compares: African/African-American, 0.0013%; no homozygotes.

Submission:

Labcorp Genetics (formerly Invitae), Labcorp
Classification: Uncertain significance for RASopathy. Last evaluated: 2024-10-18. Review status: criteria provided, single submitter. Criteria: Invitae Variant Classification Sherloc (09022015). Collection method: clinical testing. Allele origin: germline.
Comment: This sequence change replaces valine, which is neutral and non-polar, with leucine, which is neutral and non-polar, at codon 202 of the MAP2K2 protein (p.Val202Leu). This variant is not present in population databases (gnomAD no frequency). This variant has not been reported in the literature in individuals affected with MAP2K2-related conditions. ClinVar contains an entry for this variant (Variation ID: 1034905). Invitae Evidence Modeling incorporating data from in vitro experimental studies (internal data) indicates that this missense variant is not expected to disrupt MAP2K2 function with a negative predictive value of 95%. Algorithms developed to predict the effect of sequence changes on RNA splicing suggest that this variant may create or strengthen a splice site. In summary, the available evidence is currently insufficient to determine the role of this variant in disease. Therefore, it has been classified as a Variant of Uncertain Significance.